The following is an entry in ClinVar:

NM_017999.5(RNF31):c.1403C>T (p.Pro468Leu)

Gene: RNF31 (ring finger protein 31; plus strand). Cytogenetic location: 14q12.
Variant type: single nucleotide variant.
Coding change: c.1403C>T on transcript NM_017999.5 (MANE Select); coding-DNA position 1403, C replaced by T.
Protein change: p.Pro468Leu; replaces proline 468 with leucine.
Molecular consequence: missense variant.
Genome position (GRCh38, 1-based): chr14:24,150,803, C>T. VCF-style: chr14-24150803-C-T. GRCh37 (hg19) VCF-style: chr14-24620012-C-T.
Other names: c.950C>T, p.Pro317Leu (NM_001310332.2); short protein forms P317L, P468L.
Identifiers: ClinVar variation 4771500 (VCV004771500.1).

ClinVar aggregate classification (germline): Uncertain significance (1 of 4 stars; one submission).

Submission:

Labcorp Genetics (formerly Invitae), Labcorp
Classification: Uncertain significance. Last evaluated: 2025-11-01. Review status: criteria provided, single submitter. Criteria: Invitae Variant Classification Sherloc (09022015). Collection method: clinical testing. Allele origin: germline.
Comment: This sequence change replaces proline, which is neutral and non-polar, with leucine, which is neutral and non-polar, at codon 468 of the RNF31 protein (p.Pro468Leu). This variant is not present in population databases (gnomAD no frequency). This variant has not been reported in the literature in individuals affected with RNF31-related conditions. An algorithm developed to predict the effect of missense changes on protein structure and function (PolyPhen-2) suggests that this variant is likely to be tolerated. In summary, the available evidence is currently insufficient to determine the role of this variant in disease. Therefore, it has been classified as a Variant of Uncertain Significance.